The following is an entry in ClinVar:

ClinVar aggregate classification (germline): Conflicting classifications of pathogenicity. Review status: criteria provided, conflicting classifications (1 of 4 stars). 4 submissions from 4 submitters: Uncertain significance (2); Benign (1); Likely benign (1). Last evaluated 2025-09-07.

Conditions:
Inborn genetic diseases. Identifiers: MedGen C0950123, MeSH D030342.
Polycystic liver disease 1 (PCLD1). Also called: Polycystic liver disease 1 with or without kidney cysts. Identifiers: Orphanet 2924, MedGen C0887850, MONDO:0008265, OMIM 174050.

Allele frequency attached by ClinVar (database versions not stated): gnomAD exomes 0.00026; gnomAD 0.00035; TOPMed 0.00040; ESP Exome Variant Server 0.00054.
gnomAD v4.1: 1,086 of 1,613,500 alleles (0.067%); highest among the groups gnomAD compares: Non-Finnish European, 0.085%; 2 homozygotes.

Submissions (4):

Labcorp Genetics (formerly Invitae), Labcorp
Classification: Uncertain significance. Last evaluated: 2025-09-07. Review status: criteria provided, single submitter. Criteria: Invitae Variant Classification Sherloc (09022015). Collection method: clinical testing. Allele origin: germline.
Comment: This sequence change replaces alanine, which is neutral and non-polar, with serine, which is neutral and polar, at codon 251 of the PRKCSH protein (p.Ala251Ser). This variant is present in population databases (rs147043213, gnomAD 0.05%), and has an allele count higher than expected for a pathogenic variant. This variant has not been reported in the literature in individuals affected with PRKCSH-related conditions. ClinVar contains an entry for this variant (Variation ID: 328179). An algorithm developed to predict the effect of missense changes on protein structure and function (PolyPhen-2) suggests that this variant is likely to be tolerated. In summary, the available evidence is currently insufficient to determine the role of this variant in disease. Therefore, it has been classified as a Variant of Uncertain Significance.

CeGaT Center for Human Genetics Tuebingen
Classification: Likely benign. Last evaluated: 2023-11-01. Review status: criteria provided, single submitter. Criteria: CeGaT Center For Human Genetics Tuebingen Variant Classification Criteria Version 2. Collection method: clinical testing. Allele origin: germline. Affected: yes. Observed: 1 variant allele.
Comment: PRKCSH: BP4

Ambry Genetics
Classification: Uncertain significance for Inborn genetic diseases. Last evaluated: 2021-08-02. Review status: criteria provided, single submitter. Criteria: Ambry Variant Classification Scheme 2023. Collection method: clinical testing. Allele origin: germline.

Illumina Laboratory Services, Illumina
Classification: Benign for Polycystic liver disease 1. Last evaluated: 2018-01-13. Review status: criteria provided, single submitter. Criteria: ICSL Variant Classification Criteria 13 December 2019. Collection method: clinical testing. Allele origin: germline.
Comment: This variant was observed in the ICSL laboratory as part of a predisposition screen in an ostensibly healthy population. It had not been previously curated by ICSL or reported in the Human Gene Mutation Database (HGMD: prior to June 1st, 2018), and was therefore a candidate for classification through an automated scoring system. Utilizing variant allele frequency, disease prevalence and penetrance estimates, and inheritance mode, an automated score was calculated to assess if this variant is too frequent to cause the disease. Based on the score and internal cut-off values, a variant classified as benign is not then subjected to further curation. The score for this variant resulted in a classification of benign for this disease.

NM_001289104.2(PRKCSH):c.751G>T (p.Ala251Ser)

Gene: PRKCSH (PRKCSH beta subunit of glucosidase II; plus strand). Cytogenetic location: 19p13.2.
Variant type: single nucleotide variant.
Coding change: c.751G>T on transcript NM_001289104.2 (MANE Select); coding-DNA position 751, G replaced by T.
Protein change: p.Ala251Ser; replaces alanine 251 with serine.
Molecular consequence: missense variant.
Genome position (GRCh38, 1-based): chr19:11,446,339, G>T. VCF-style: chr19-11446339-G-T. GRCh37 (hg19) VCF-style: chr19-11557154-G-T.
Other names: c.751G>T, p.Ala251Ser (NM_001001329.3, NM_001289102.2, NM_001289103.2 and 3 more transcripts); short protein forms A251S.
Identifiers: ClinVar variation 328179 (VCV000328179.33), dbSNP rs147043213, ClinGen allele CA9212961.